The following is an entry in ClinVar:

ClinVar aggregate classification (germline): Uncertain significance (1 of 4 stars; one submission).

Submission:

GeneDx
Classification: Uncertain significance. Last evaluated: 2022-09-21. Review status: criteria provided, single submitter. Criteria: GeneDx Variant Classification Process June 2021. Collection method: clinical testing. Allele origin: germline. Affected: yes.
Comment: Not observed at significant frequency in large population cohorts (gnomAD); In-frame deletion of 1 amino acids in a non-repeat region; In silico analysis supports a deleterious effect on protein structure/function; Has not been previously published as pathogenic or benign to our knowledge

NM_000829.4(GRIA4):c.595GAA[1] (p.Glu200del)

Gene: GRIA4 (glutamate ionotropic receptor AMPA type subunit 4; plus strand). Cytogenetic location: 11q22.3.
Variant type: Microsatellite.
Coding change: c.595GAA[1] on transcript NM_000829.4 (MANE Select); one copy of the 3-base unit GAA starting at c.595; the reference has two copies in a row; one copy, 3 bases deleted.
Protein change: p.Glu200del; deletes glutamic acid 200.
Molecular consequence: inframe deletion. On other transcripts: non-coding transcript variant (1).
Genome position (GRCh38, 1-based): chr11:105,862,134-105,862,136, GAA deleted; deleting any 3 consecutive bases within chr11:105,862,130-105,862,136 gives the same sequence; the position shown is the placement nearest the transcript's 3' end. VCF-style (leftmost placement, unchanged base first): chr11-105862129-TAGA-T. GRCh37 (hg19) VCF-style: chr11-105732855-TAGA-T.
Other names: c.595GAA[1], p.Glu200del (NM_001077243.3, NM_001077244.2, NM_001112812.2); short protein forms E200del.
Identifiers: ClinVar variation 2446227 (VCV002446227.1), dbSNP rs2497582459, ClinGen allele CA2580616414.